The following is an entry in ClinVar:

ClinVar aggregate classification (germline): Uncertain significance. Review status: criteria provided, multiple submitters, no conflicts (2 of 4 stars). 2 submissions from 2 submitters: Uncertain significance (2). Last evaluated 2024-12-06.

Conditions:
Inborn genetic diseases. Identifiers: MedGen C0950123, MeSH D030342.

Allele frequency attached by ClinVar (database versions not stated): ExAC 0.00001; gnomAD exomes 0.00001; TOPMed 0.00003; gnomAD 0.00004.
gnomAD v4.1: 6 of 1,612,328 alleles (0.00037%); highest among the groups gnomAD compares: African/African-American, 0.008%; no homozygotes.

Submissions (2):

Ambry Genetics
Classification: Uncertain significance for Inborn genetic diseases. Last evaluated: 2024-12-06. Review status: criteria provided, single submitter. Criteria: Ambry Variant Classification Scheme 2023. Collection method: clinical testing. Allele origin: germline.

Labcorp Genetics (formerly Invitae), Labcorp
Classification: Uncertain significance. Last evaluated: 2024-01-19. Review status: criteria provided, single submitter. Criteria: Invitae Variant Classification Sherloc (09022015). Collection method: clinical testing. Allele origin: germline.
Comment: This sequence change replaces leucine, which is neutral and non-polar, with serine, which is neutral and polar, at codon 816 of the PLK4 protein (p.Leu816Ser). This variant is present in population databases (rs765680091, gnomAD 0.01%). This variant has not been reported in the literature in individuals affected with PLK4-related conditions. ClinVar contains an entry for this variant (Variation ID: 844542). An algorithm developed to predict the effect of missense changes on protein structure and function (PolyPhen-2) suggests that this variant is likely to be disruptive. In summary, the available evidence is currently insufficient to determine the role of this variant in disease. Therefore, it has been classified as a Variant of Uncertain Significance.

NM_014264.5(PLK4):c.2447T>C (p.Leu816Ser)

Gene: PLK4 (polo like kinase 4; plus strand). Cytogenetic location: 4q28.1.
Variant type: single nucleotide variant.
Coding change: c.2447T>C on transcript NM_014264.5 (MANE Select); coding-DNA position 2447, T replaced by C.
Protein change: p.Leu816Ser; replaces leucine 816 with serine.
Molecular consequence: missense variant.
Genome position (GRCh38, 1-based): chr4:127,893,766, T>C. VCF-style: chr4-127893766-T-C. GRCh37 (hg19) VCF-style: chr4-128814921-T-C.
Other names: c.2351T>C, p.Leu784Ser (NM_001190799.2); c.2324T>C, p.Leu775Ser (NM_001190801.2); short protein forms L784S, L816S, L775S.
Identifiers: ClinVar variation 844542 (VCV000844542.7), dbSNP rs765680091, ClinGen allele CA3077066.